The following is an entry in ClinVar:

NM_001267550.2(TTN):c.99247_99251dup (p.Arg33085fs)

Genes: TTN (titin; minus strand), TTN-AS1 (TTN antisense RNA 1; plus strand). Cytogenetic location: 2q31.2.
Variant type: Duplication.
Coding change: c.99247_99251dup on transcript NM_001267550.2 (MANE Select); coding-DNA positions 99247 to 99251, 5 bases duplicated (AGACC; older notation c.99247_99251dupAGACC).
Protein change: p.Arg33085fs; shifts the reading frame from arginine 33085.
Molecular consequence: frameshift variant.
Genome position (GRCh38, 1-based): chr2:178,538,578-178,538,582, GGTCT duplicated on the plus strand (AGACC on the coding strand, the reverse complement: TTN is on the minus strand); duplicating any 5 consecutive bases within chr2:178,538,578-178,538,583 gives the same sequence; the c. name uses the placement nearest the transcript's 3' end. VCF-style (leftmost placement, unchanged base first): chr2-178538577-A-AGGTCT. GRCh37 (hg19) VCF-style: chr2-179403304-A-AGGTCT.
Other names: c.94324_94328dup, p.Arg31444fs (NM_001256850.1); c.72052_72056dup, p.Arg24020fs (NM_003319.4); c.91543_91547dup, p.Arg30517fs (NM_133378.4); c.72427_72431dup, p.Arg24145fs (NM_133432.3); c.72628_72632dup, p.Arg24212fs (NM_133437.4); c.72052_72056dupAGACC (NM_003319.4); short protein forms R24020fs, R24145fs, R30517fs, R24212fs, R31444fs, R33085fs.
Identifiers: ClinVar variation 3975871 (VCV003975871.1).

ClinVar aggregate classification (germline): Likely pathogenic (1 of 4 stars; one submission).

Conditions:
Cardiovascular phenotype. Identifiers: MedGen CN230736.

Submission:

Ambry Genetics
Classification: Likely pathogenic for Cardiovascular phenotype. Last evaluated: 2025-06-11. Review status: criteria provided, single submitter. Criteria: Ambry Variant Classification Scheme 2023. Collection method: clinical testing. Allele origin: germline.
Comment: The c.72052_72056dupAGACC (p.R24020Dfs*9) alteration, located in exon 182 (coding exon 181) of the TTN gene, consists of a duplication of AGACC at position 72052, causing a translational frameshift with a predicted alternate stop codon after 9 amino acids. This variant is expected to result in loss of function by premature protein truncation or nonsense-mediated mRNA decay. This variant was not reported in population-based cohorts in the Genome Aggregation Database (gnomAD). This exon is located in the A-band region of the N2-B isoform of the titin protein and is constitutively expressed in TTN transcripts (percent spliced in or PSI 100%). While truncating variants in TTN are present in 1-3% of the general population, truncating variants in the A-band are the most common cause of dilated cardiomyopathy (Herman, 2012; Roberts, 2015). TTN truncating variants encoded in constitutive exons (PSI >90%) have been found to be significantly associated with DCM regardless of their position in titin (Schafer, 2017; Akhtar, 2020; Massier, 2025). Based on the available evidence, this alteration is classified as likely pathogenic.

Literature cited by the submitters: PubMed 22335739; PubMed 25589632; PubMed 27869827; PubMed 32964742; PubMed 39844436.